The following is an entry in ClinVar:

ClinVar aggregate classification (germline): Uncertain significance (1 of 4 stars; one submission).

Conditions:
Progressive sclerosing poliodystrophy (MTDPS4A). Also called: ALPERS PROGRESSIVE INFANTILE POLIODYSTROPHY; NEURONAL DEGENERATION OF CHILDHOOD WITH LIVER DISEASE, PROGRESSIVE; Alpers Syndrome; ALPERS DIFFUSE DEGENERATION OF CEREBRAL GRAY MATTER WITH HEPATIC CIRRHOSIS; Alpers-Huttenlocher Syndrome; Mitochondrial DNA depletion syndrome 4A (Alpers type). Identifiers: Orphanet 726, MedGen C0205710, MONDO:0008758, OMIM 203700.

gnomAD v4.1: 1 of 1,579,002 alleles (0.000063%); highest among the groups gnomAD compares: Non-Finnish European, 0.000086%; no homozygotes.

Submission:

Labcorp Genetics (formerly Invitae), Labcorp
Classification: Uncertain significance for Progressive sclerosing poliodystrophy. Last evaluated: 2024-03-10. Review status: criteria provided, single submitter. Criteria: Invitae Variant Classification Sherloc (09022015). Collection method: clinical testing. Allele origin: germline.
Comment: This sequence change replaces arginine, which is basic and polar, with glutamine, which is neutral and polar, at codon 177 of the POLG protein (p.Arg177Gln). This variant is not present in population databases (gnomAD no frequency). This variant has not been reported in the literature in individuals affected with POLG-related conditions. Advanced modeling of protein sequence and biophysical properties (such as structural, functional, and spatial information, amino acid conservation, physicochemical variation, residue mobility, and thermodynamic stability) performed at Invitae indicates that this missense variant is not expected to disrupt POLG protein function with a negative predictive value of 95%. In summary, the available evidence is currently insufficient to determine the role of this variant in disease. Therefore, it has been classified as a Variant of Uncertain Significance.

NM_002693.3(POLG):c.530G>A (p.Arg177Gln)

Genes: POLG (DNA polymerase gamma, catalytic subunit; minus strand), POLGARF (POLG alternative reading frame; minus strand). Cytogenetic location: 15q26.1.
Variant type: single nucleotide variant.
Coding change: c.530G>A on transcript NM_002693.3 (MANE Select); coding-DNA position 530, G replaced by A.
Protein change: p.Arg177Gln; replaces arginine 177 with glutamine.
Molecular consequence: missense variant. On other transcripts: synonymous variant (1).
Genome position (GRCh38, 1-based): chr15:89,333,225, C>T on the plus strand (G>A on the coding strand, the complement: POLG is on the minus strand). VCF-style: chr15-89333225-C-T. GRCh37 (hg19) VCF-style: chr15-89876456-C-T.
Other names: c.585G>A, p.Pro195= (NM_001430120.1); c.530G>A, p.Arg177Gln (NM_001126131.2); short protein forms R177Q.
Identifiers: ClinVar variation 3706942 (VCV003706942.2).